The following is an entry in ClinVar:

NM_000310.4(PPT1):c.21_25dup (p.Leu9fs)

Gene: PPT1 (palmitoyl-protein thioesterase 1; minus strand). Cytogenetic location: 1p34.2.
Variant type: Duplication.
Coding change: c.21_25dup on transcript NM_000310.4 (MANE Select); coding-DNA positions 21 to 25, 5 bases duplicated (GTGGC; older notation c.21_25dupGTGGC).
Protein change: p.Leu9fs; shifts the reading frame from leucine 9.
Molecular consequence: frameshift variant.
Genome position (GRCh38, 1-based): chr1:40,097,214-40,097,218, GCCAC duplicated on the plus strand (GTGGC on the coding strand, the reverse complement: PPT1 is on the minus strand). VCF-style (leftmost placement, unchanged base first): chr1-40097213-A-AGCCAC. GRCh37 (hg19) VCF-style: chr1-40562885-A-AGCCAC.
Other names: c.21_25dup, p.Leu9fs (NM_001142604.2, NM_001363695.2); short protein forms L9fs.
Identifiers: ClinVar variation 2035598 (VCV002035598.4), dbSNP rs2523709882, ClinGen allele CA2580062753.

ClinVar aggregate classification (germline): Pathogenic (1 of 4 stars; one submission).

Conditions:
Neuronal ceroid lipofuscinosis 1 (CLN1). Also called: CEROID LIPOFUSCINOSIS, NEURONAL, 1, VARIABLE AGE AT ONSET; PPT1-Related Neuronal Ceroid-Lipofuscinosis. Identifiers: Orphanet 228329, MedGen C1850451, MONDO:0009744, OMIM 256730.

Submission:

Labcorp Genetics (formerly Invitae), Labcorp
Classification: Pathogenic for Neuronal ceroid lipofuscinosis 1. Last evaluated: 2022-12-30. Review status: criteria provided, single submitter. Criteria: Invitae Variant Classification Sherloc (09022015). Collection method: clinical testing. Allele origin: germline.
Comment: For these reasons, this variant has been classified as Pathogenic. This variant has not been reported in the literature in individuals affected with PPT1-related conditions. This variant is not present in population databases (gnomAD no frequency). This sequence change creates a premature translational stop signal (p.Leu9Argfs*30) in the PPT1 gene. It is expected to result in an absent or disrupted protein product. Loss-of-function variants in PPT1 are known to be pathogenic (PMID: 10679943, 21990111).

Literature cited by the submitters: PubMed 10679943; PubMed 21990111.